The following is an entry in ClinVar:

NM_006231.4(POLE):c.4244A>C (p.Asn1415Thr)

Gene: POLE (DNA polymerase epsilon, catalytic subunit; minus strand). Cytogenetic location: 12q24.33.
Variant type: single nucleotide variant.
Coding change: c.4244A>C on transcript NM_006231.4 (MANE Select); coding-DNA position 4244, A replaced by C.
Protein change: p.Asn1415Thr; replaces asparagine 1415 with threonine.
Molecular consequence: missense variant.
Genome position (GRCh38, 1-based): chr12:132,643,883, T>G on the plus strand (A>C on the coding strand, the complement: POLE is on the minus strand). VCF-style: chr12-132643883-T-G. GRCh37 (hg19) VCF-style: chr12-133220469-T-G.
Other names: short protein forms N1415T.
Identifiers: ClinVar variation 2625222 (VCV002625222.3), dbSNP rs748378612, ClinGen allele CA387381989.

ClinVar aggregate classification (germline): Uncertain significance. Review status: criteria provided, multiple submitters, no conflicts (2 of 4 stars). 2 submissions from 2 submitters: Uncertain significance (2). Last evaluated 2025-07-14.

Conditions:
Hereditary cancer-predisposing syndrome. Also called: Tumor predisposition; Hereditary Cancer Syndrome; Hereditary neoplastic syndrome; Neoplastic Syndromes, Hereditary. Identifiers: Orphanet 140162, MedGen C0027672, MeSH D009386, MONDO:0015356.

Submissions (2):

Labcorp Genetics (formerly Invitae), Labcorp
Classification: Uncertain significance. Last evaluated: 2025-07-14. Review status: criteria provided, single submitter. Criteria: Invitae Variant Classification Sherloc (09022015). Collection method: clinical testing. Allele origin: germline.
Comment: This sequence change replaces asparagine, which is neutral and polar, with threonine, which is neutral and polar, at codon 1415 of the POLE protein (p.Asn1415Thr). This variant is not present in population databases (gnomAD no frequency). This variant has not been reported in the literature in individuals affected with POLE-related conditions. ClinVar contains an entry for this variant (Variation ID: 2625222). Invitae Evidence Modeling of protein sequence and biophysical properties (such as structural, functional, and spatial information, amino acid conservation, physicochemical variation, residue mobility, and thermodynamic stability) indicates that this missense variant is not expected to disrupt POLE protein function with a negative predictive value of 80%. In summary, the available evidence is currently insufficient to determine the role of this variant in disease. Therefore, it has been classified as a Variant of Uncertain Significance.

Ambry Genetics
Classification: Uncertain significance for Hereditary cancer-predisposing syndrome. Last evaluated: 2023-06-18. Review status: criteria provided, single submitter. Criteria: Ambry Variant Classification Scheme 2023. Collection method: clinical testing. Allele origin: germline.
Comment: The p.N1415T variant (also known as c.4244A>C), located in coding exon 33 of the POLE gene, results from an A to C substitution at nucleotide position 4244. The asparagine at codon 1415 is replaced by threonine, an amino acid with similar properties. This amino acid position is conserved. In addition, this alteration is predicted to be tolerated by in silico analysis. Since supporting evidence is limited at this time, the clinical significance of this alteration remains unclear.